The following is an entry in ClinVar:

ClinVar aggregate classification (germline): Uncertain significance. Review status: criteria provided, multiple submitters, no conflicts (2 of 4 stars). 2 submissions from 2 submitters: Uncertain significance (2). Last evaluated 2025-11-05.

Conditions:
Inborn genetic diseases. Identifiers: MedGen C0950123, MeSH D030342.

Allele frequency attached by ClinVar (database versions not stated): gnomAD exomes 0.00003 and 0.00001; gnomAD 0.00003 and 0.00006; TOPMed 0.00003.
gnomAD v4.1: 15 of 1,550,168 alleles (0.00097%); highest among the groups gnomAD compares: Admixed American, 0.014%; no homozygotes.

Submissions (2):

Ambry Genetics
Classification: Uncertain significance for Inborn genetic diseases. Last evaluated: 2025-11-05. Review status: criteria provided, single submitter. Criteria: Ambry Variant Classification Scheme 2023. Collection method: clinical testing. Allele origin: germline.

Labcorp Genetics (formerly Invitae), Labcorp
Classification: Uncertain significance. Last evaluated: 2022-02-06. Review status: criteria provided, single submitter. Criteria: Invitae Variant Classification Sherloc (09022015). Collection method: clinical testing. Allele origin: germline.
Comment: This sequence change replaces lysine, which is basic and polar, with arginine, which is basic and polar, at codon 647 of the UNC80 protein (p.Lys647Arg). This variant is present in population databases (no rsID available, gnomAD 0.01%). In summary, the available evidence is currently insufficient to determine the role of this variant in disease. Therefore, it has been classified as a Variant of Uncertain Significance. Algorithms developed to predict the effect of sequence changes on RNA splicing suggest that this variant may create or strengthen a splice site. Algorithms developed to predict the effect of missense changes on protein structure and function are either unavailable or do not agree on the potential impact of this missense change (SIFT: "Not Available"; PolyPhen-2: "Probably Damaging"; Align-GVGD: "Not Available"). This variant has not been reported in the literature in individuals affected with UNC80-related conditions.

NM_001371986.1(UNC80):c.1940A>G (p.Lys647Arg)

Gene: UNC80 (unc-80 subunit of NALCN channel complex; plus strand). Cytogenetic location: 2q34.
Variant type: single nucleotide variant.
Coding change: c.1940A>G on transcript NM_001371986.1 (MANE Select); coding-DNA position 1940, A replaced by G.
Protein change: p.Lys647Arg; replaces lysine 647 with arginine.
Molecular consequence: missense variant.
Genome position (GRCh38, 1-based): chr2:209,819,239, A>G. VCF-style: chr2-209819239-A-G. GRCh37 (hg19) VCF-style: chr2-210683963-A-G.
Other names: c.1940A>G, p.Lys647Arg (NM_032504.2, NM_182587.4); c.1940A>G (NM_032504.1); short protein forms K647R.
Identifiers: ClinVar variation 1365698 (VCV001365698.7), dbSNP rs1370143975, ClinGen allele CA350136017.
Genomic context (GRCh38, chr2:209,819,239, plus strand): 5'-TAAACTACAGCTACCTAGAGGACACAGAACATATTGACGGGACCAATAACTTTGTCCACA[A>G]GAATGGAATGCTTGATCTTTCTGTAAGAAGCAAGAATTTTTCTTACCAAAGTTAGACAGA-3'
Protein context (NP_001358915.1, residues 637-657): HIDGTNNFVH[Lys647Arg]NGMLDLSVVL